The following is an entry in ClinVar:

NC_000007.14:g.95324583G>A

Genes: PON1 (paraoxonase 1; minus strand), LOC129998829 (ATAC-STARR-seq lymphoblastoid silent region 18382; plus strand). Cytogenetic location: 7q21.3.
Variant type: single nucleotide variant.
Genome position: GRCh38 VCF-style: chr7-95324583-G-A. GRCh37 (hg19) VCF-style: chr7-94953895-G-A.
Other names: -108C-T.
Identifiers: ClinVar variation 13737 (VCV000013737.6), dbSNP rs705379, ClinGen allele CA170540.

ClinVar aggregate classification (germline): Benign. Review status: criteria provided, multiple submitters, no conflicts (2 of 4 stars). 4 submissions from 3 submitters: Benign (2). 1 of the submissions does not count toward it. Last evaluated 2021-06-19.

Conditions:
Enzyme activity finding. Identifiers: MedGen C1827841.

Allele frequency attached by ClinVar (database versions not stated): 1000 Genomes Project 0.34904; TOPMed 0.37633; 1000 Genomes Project 30x 0.34291; gnomAD 0.36079.

Submissions (3):

GeneDx
Classification: Benign. Last evaluated: 2021-06-19. Review status: criteria provided, single submitter. Criteria: GeneDx Variant Classification Process June 2021. Collection method: clinical testing. Allele origin: germline. Affected: yes.
Comment: This variant is associated with the following publications: (PMID: 26154629, 11335891, 10669651)

Breakthrough Genomics
Classification: Benign. Review status: criteria provided, single submitter. Criteria: ACMG Guidelines, 2015. Collection method: not provided. Allele origin: germline. Inheritance: Unknown mechanism. Affected: yes.

OMIM
Classification: Benign for RECLASSIFIED - PON1 POLYMORPHISM. Last evaluated: 2001-06-01. Review status: no assertion criteria provided. Collection method: literature only. Allele origin: germline. Not counted in ClinVar's aggregate classification.

Literature cited by the submitters: Hamosh, A. Personal Communication. 2025. Baltimore, Md. (cited by OMIM); PubMed 11335891 (cited by OMIM).